The following is an entry in ClinVar:

NM_021120.4(DLG3):c.1373C>G (p.Ser458Ter)

Genes: DLG3 (discs large MAGUK scaffold protein 3; plus strand), DLG3-AS1 (DLG3 antisense RNA 1; minus strand). Cytogenetic location: Xq13.1.
Variant type: single nucleotide variant.
Coding change: c.1373C>G on transcript NM_021120.4 (MANE Select); coding-DNA position 1373, C replaced by G.
Protein change: p.Ser458Ter; replaces serine 458 with a stop codon.
Molecular consequence: nonsense.
Genome position (GRCh38, 1-based): chrX:70,454,284, C>G. VCF-style: chrX-70454284-C-G. GRCh37 (hg19) VCF-style: chrX-69674134-C-G.
Other names: c.362C>G, p.Ser121Ter (NM_020730.3); c.1373C>G (NM_021120.2); short protein forms S458*, S121*.
Identifiers: ClinVar variation 29943 (VCV000029943.3), dbSNP rs398122847, ClinGen allele CA128784.

ClinVar aggregate classification (germline): Pathogenic. Review status: criteria provided, single submitter (1 of 4 stars). 2 submissions from 2 submitters: Pathogenic (1). 1 of the submissions does not count toward it. Last evaluated 2025-08-12.

Conditions:
Intellectual developmental disorder, X-linked 90. Also called: DLG3-Related X-Linked Nonsyndromic Mental Retardation; Intellectual disability, X-linked 90. Identifiers: Orphanet 777, MedGen C3275443, MONDO:0010452, OMIM 300850.

Submissions (2):

GeneDx
Classification: Pathogenic. Last evaluated: 2025-08-12. Review status: criteria provided, single submitter. Criteria: GeneDx Variant Classification Process June 2021. Collection method: clinical testing. Allele origin: germline. Affected: yes.
Comment: Nonsense variant predicted to result in protein truncation or nonsense mediated decay in a gene for which loss of function is a known mechanism of disease; Not observed at significant frequency in large population cohorts (gnomAD); This variant is associated with the following publications: (PMID: 25525159, 15185169)

OMIM
Classification: Pathogenic for INTELLECTUAL DEVELOPMENTAL DISORDER, X-LINKED 90. Last evaluated: 2004-08-01. Review status: no assertion criteria provided. Collection method: literature only. Allele origin: germline. Not counted in ClinVar's aggregate classification.

Literature cited by the submitters: PubMed 15185169 (cited by OMIM).